The following is an entry in ClinVar:

NM_020719.3(PRR12):c.1313C>T (p.Ala438Val)

Gene: PRR12 (proline rich 12; plus strand). Cytogenetic location: 19q13.33.
Variant type: single nucleotide variant.
Coding change: c.1313C>T on transcript NM_020719.3 (MANE Select); coding-DNA position 1313, C replaced by T.
Protein change: p.Ala438Val; replaces alanine 438 with valine.
Molecular consequence: missense variant.
Genome position (GRCh38, 1-based): chr19:49,595,648, C>T. VCF-style: chr19-49595648-C-T. GRCh37 (hg19) VCF-style: chr19-50098905-C-T.
Other names: short protein forms A438V.
Identifiers: ClinVar variation 4886120 (VCV004886120.2).

ClinVar aggregate classification (germline): Uncertain significance (1 of 4 stars; one submission).

Submission:

Dasa
Classification: Uncertain significance. Last evaluated: 2025-08-24. Review status: criteria provided, single submitter. Criteria: DASA Assertion Criteria. Collection method: clinical testing. Allele origin: germline.
Comment: NM_020719.3(PRR12):c.1313C>T (p.Ala438Val) is a missense variant that results in the substitution of alanine with valine. This variant is rare in population databases. Computational prediction algorithms are consistent with a benign effect. The currently available literature and clinical evidence are not sufficient to establish a definitive association between this variant and the reported condition. Therefore, this variant is classified as a variant of uncertain significance.